The following is an entry in ClinVar:

ClinVar aggregate classification (germline): Benign. Review status: criteria provided, multiple submitters, no conflicts (2 of 4 stars). 4 submissions from 3 submitters: Benign (4). Last evaluated 2021-12-05.

Conditions:
Hereditary spastic paraplegia 51. Also called: CEREBRAL PALSY, SPASTIC QUADRIPLEGIC, 4; Spastic paraplegia 51, autosomal recessive. Identifiers: Orphanet 280763, MedGen C3151056, MONDO:0013401, OMIM 613744.
Stuttering, familial persistent, 1. Also called: STAMMERING. Identifiers: MedGen C3489627, MONDO:0008483, OMIM 184450.

Allele frequency attached by ClinVar (database versions not stated): gnomAD 0.16669 and 0.16681; ESP Exome Variant Server 0.14570; 1000 Genomes Project 0.15655; 1000 Genomes Project 30x 0.15912; gnomAD exomes 0.16569 and 0.17448; ExAC 0.17589; TOPMed 0.17906.
gnomAD v4.1: 266,646 of 1,607,292 alleles (17%); highest among the groups gnomAD compares: Admixed American, 29%; 23,737 homozygotes.

Submissions (4):

Genome-Nilou Lab
Classification: Benign for Hereditary spastic paraplegia 51. Last evaluated: 2021-12-05. Review status: criteria provided, single submitter. Criteria: ACMG Guidelines, 2015. Collection method: clinical testing. Allele origin: germline. Affected: no.

Genome-Nilou Lab
Classification: Benign for Stuttering, familial persistent, 1. Last evaluated: 2021-12-05. Review status: criteria provided, single submitter. Criteria: ACMG Guidelines, 2015. Collection method: clinical testing. Allele origin: germline. Affected: no.

GeneDx
Classification: Benign. Last evaluated: 2018-06-14. Review status: criteria provided, single submitter. Criteria: GeneDx Variant Classification (06012015). Collection method: clinical testing. Allele origin: germline. Affected: yes.
Comment: This variant is considered likely benign or benign based on one or more of the following criteria: it is a conservative change, it occurs at a poorly conserved position in the protein, it is predicted to be benign by multiple in silico algorithms, and/or has population frequency not consistent with disease.

Breakthrough Genomics
Classification: Benign. Review status: criteria provided, single submitter. Criteria: ACMG Guidelines, 2015. Collection method: not provided. Allele origin: germline. Inheritance: Autosomal recessive inheritance. Affected: yes.

NM_007347.5(AP4E1):c.150+33A>G

Gene: AP4E1 (adaptor related protein complex 4 subunit epsilon 1; plus strand). Cytogenetic location: 15q21.2.
Variant type: single nucleotide variant.
Coding change: c.150+33A>G on transcript NM_007347.5 (MANE Select); 33 bases into the intron after coding-DNA position 150, A replaced by G.
Molecular consequence: intron variant.
Genome position (GRCh38, 1-based): chr15:50,908,961, A>G. VCF-style: chr15-50908961-A-G. GRCh37 (hg19) VCF-style: chr15-51201158-A-G.
Other names: c.-99+33A>G (NM_001252127.2).
Identifiers: ClinVar variation 677999 (VCV000677999.3), dbSNP rs76674534, ClinGen allele CA7558657.